The following is an entry in ClinVar:

ClinVar aggregate classification (germline): Likely benign (1 of 4 stars; one submission).

Allele frequency attached by ClinVar (database versions not stated): ExAC 0.00115.

Submission:

CeGaT Center for Human Genetics Tuebingen
Classification: Likely benign. Last evaluated: 2023-08-01. Review status: criteria provided, single submitter. Criteria: CeGaT Center For Human Genetics Tuebingen Variant Classification Criteria Version 2. Collection method: clinical testing. Allele origin: germline. Affected: yes. Observed: 1 variant allele.
Comment: MUC2: BP4, BP7

NM_002457.5(MUC2):c.4572C>T (p.Ser1524=)

Gene: MUC2 (mucin 2, oligomeric mucus/gel-forming; plus strand). Cytogenetic location: 11p15.5.
Variant type: single nucleotide variant.
Coding change: c.4572C>T on transcript NM_002457.5 (MANE Select); coding-DNA position 4572, C replaced by T.
Protein change: p.Ser1524=; no amino-acid change (serine 1524 retained).
Molecular consequence: synonymous variant.
Genome position (GRCh38, 1-based): chr11:1,094,815, C>T. VCF-style: chr11-1094815-C-T. GRCh37 (hg19) VCF-style: chr11-1092753-C-T.
Identifiers: ClinVar variation 2641131 (VCV002641131.24), dbSNP rs758421030, ClinGen allele CA5799783.